The following is an entry in ClinVar:

ClinVar aggregate classification (germline): Likely pathogenic (1 of 4 stars; one submission).

Conditions:
Landau-Kleffner syndrome (FESD). Also called: EPILEPSY, FOCAL, WITH SPEECH DISORDER AND WITH OR WITHOUT MENTAL RETARDATION; APHASIA, ACQUIRED, WITH EPILEPSY. Identifiers: Orphanet 1945, Orphanet 725, Orphanet 98818, MedGen C0282512, MONDO:0009509, OMIM 245570.

Submission:

Labcorp Genetics (formerly Invitae), Labcorp
Classification: Likely pathogenic for Landau-Kleffner syndrome. Last evaluated: 2020-08-10. Review status: criteria provided, single submitter. Criteria: Invitae Variant Classification Sherloc (09022015). Collection method: clinical testing. Allele origin: germline.
Comment: This sequence change affects an acceptor splice site in intron 6 of the GRIN2A gene. It is expected to disrupt RNA splicing and likely results in an absent or disrupted protein product. This variant is not present in population databases (ExAC no frequency). This variant has not been reported in the literature in individuals with GRIN2A-related conditions. Algorithms developed to predict the effect of sequence changes on RNA splicing suggest that this variant may disrupt the consensus splice site, but this prediction has not been confirmed by published transcriptional studies. Donor and acceptor splice site variants typically lead to a loss of protein function (PMID: 16199547), and loss-of-function variants in GRIN2A are known to be pathogenic (PMID: 23933819, 23933820). In summary, the currently available evidence indicates that the variant is pathogenic, but additional data are needed to prove that conclusively. Therefore, this variant has been classified as Likely Pathogenic.

Literature cited by the submitters: PubMed 16199547; PubMed 23933819; PubMed 23933820.

NM_001134407.3(GRIN2A):c.1329-2A>C

Gene: GRIN2A (glutamate ionotropic receptor NMDA type subunit 2A; minus strand). Cytogenetic location: 16p13.2.
Variant type: single nucleotide variant.
Coding change: c.1329-2A>C on transcript NM_001134407.3 (MANE Select); the canonical splice acceptor site of the intron before coding-DNA position 1329, A replaced by C.
Molecular consequence: splice acceptor variant.
Genome position (GRCh38, 1-based): chr16:9,841,106, T>G on the plus strand (A>C on the coding strand, the complement: GRIN2A is on the minus strand). VCF-style: chr16-9841106-T-G. GRCh37 (hg19) VCF-style: chr16-9934963-T-G.
Other names: c.1329-2A>C (NM_001134408.2, NM_000833.5).
Identifiers: ClinVar variation 1067195 (VCV001067195.5), dbSNP rs2141346217, ClinGen allele CA394800906.
Genomic context (GRCh38, chr16:9,841,106, plus strand): 5'-TATCAATGCAGAACCCCTTGCAGCATTTCTTCACATTCATCCCCTCATTGGTTGAATTGC[T>G]GTAAAGAAAAACCCCAAGACCACAGAATGTTAGCACTGGAAGGTTTGTTCACAATCATTA-3'